The following is an entry in ClinVar:

GRCh38/hg38 1q21.1(chr1:145635445-145968427)x3

Genes: PDZK1 (PDZ domain containing 1; minus strand), PEX11B (peroxisomal biogenesis factor 11 beta; minus strand), PIAS3 (protein inhibitor of activated STAT 3; minus strand), POLR3C (RNA polymerase III subunit C; plus strand), POLR3GL (RNA polymerase III subunit GL; plus strand) and 33 more. Cytogenetic location: 1q21.1.
Variant type: copy number gain.
Change: copy number 3 (three copies instead of two) of chr1:145,635,445-145,968,427 (333.0 kb, GRCh38 coordinates, 1-based), cytogenetic band 1q21.1.
Identifiers: ClinVar variation 59691 (VCV000059691.2).

ClinVar aggregate classification (germline): Uncertain significance (1 of 4 stars; one submission).

Submission:

ISCA Site 6
Classification: Uncertain significance. Last evaluated: 2011-08-12. Review status: criteria provided, single submitter. Criteria: Kaminsky et al. (Genet Med. 2011). Collection method: clinical testing. Allele origin: maternal. Affected: yes. Observed: 1 variant allele.
Comment: Copy number variation identified through the course of routine clinical cytogenomic testing in postnatal populations. Clinical assertions have been curated as described in Kaminsky et al. 2011.